The following is an entry in ClinVar:

NM_003072.5(SMARCA4):c.3952C>T (p.Arg1318Cys)

Gene: SMARCA4 (SWI/SNF related BAF chromatin remodeling complex subunit ATPase 4; plus strand). Cytogenetic location: 19p13.2.
Variant type: single nucleotide variant.
Coding change: c.3952C>T on transcript NM_003072.5 (MANE Select); coding-DNA position 3952, C replaced by T.
Protein change: p.Arg1318Cys; replaces arginine 1318 with cysteine.
Molecular consequence: missense variant. On other transcripts: non-coding transcript variant (1).
Genome position (GRCh38, 1-based): chr19:11,034,914, C>T. VCF-style: chr19-11034914-C-T. GRCh37 (hg19) VCF-style: chr19-11145590-C-T.
Other names: c.3853C>T, p.Arg1285Cys (NM_001128846.2, NM_001128847.4, NM_001128848.2 and 3 more transcripts); c.3952C>T, p.Arg1318Cys (NM_001387283.1, NM_001128849.3, NM_001128844.3); short protein forms R1285C, R1318C.
Identifiers: ClinVar variation 2567128 (VCV002567128.3), dbSNP rs2146695671, ClinGen allele CA404067979.

ClinVar aggregate classification (germline): Uncertain significance (1 of 4 stars; one submission).

Conditions:
Hereditary cancer-predisposing syndrome. Also called: Hereditary neoplastic syndrome; Hereditary Cancer Syndrome; Neoplastic Syndromes, Hereditary; Tumor predisposition. Identifiers: Orphanet 140162, MedGen C0027672, MeSH D009386, MONDO:0015356.

Submission:

Ambry Genetics
Classification: Uncertain significance for Hereditary cancer-predisposing syndrome. Last evaluated: 2024-05-13. Review status: criteria provided, single submitter. Criteria: Ambry Variant Classification Scheme 2023. Collection method: clinical testing. Allele origin: germline.
Comment: The p.R1318C variant (also known as c.3952C>T) is located in coding exon 28 of the SMARCA4 gene. The arginine at codon 1318 is replaced by cysteine, an amino acid with highly dissimilar properties. This change occurs in the first base pair of coding exon 28. This amino acid position is highly conserved in available vertebrate species. In addition, this alteration is predicted to be deleterious by in silico analysis. Based on the available evidence, the clinical significance of this variant remains unclear.